The following is an entry in ClinVar:

NM_198576.4(AGRN):c.1384+238C>T

Gene: AGRN (agrin; plus strand). Cytogenetic location: 1p36.33.
Variant type: single nucleotide variant.
Coding change: c.1384+238C>T on transcript NM_198576.4 (MANE Select); 238 bases into the intron after coding-DNA position 1384, C replaced by T.
Molecular consequence: intron variant.
Genome position (GRCh38, 1-based): chr1:1,042,400, C>T. VCF-style: chr1-1042400-C-T. GRCh37 (hg19) VCF-style: chr1-977780-C-T.
Other names: c.1384+238C>T (NM_001305275.2); c.1069+238C>T (NM_001364727.2).
Identifiers: ClinVar variation 677947 (VCV000677947.4), dbSNP rs2710875, ClinGen allele CA10829577.
Genomic context (GRCh38, chr1:1,042,400, plus strand): 5'-GGGGGCTGGTGAGGCAGAGGCGGGGCCTTGTCCAGGCTCCCTGGTCCCTGACCTCAGCCA[C>T]GCCCTCCCTGGGAGTCCTCTGGCCTGTCCGCATGTCTCCACGCTGTAAGCACAGGCTGTT-3'

ClinVar aggregate classification (germline): Benign. Review status: criteria provided, multiple submitters, no conflicts (2 of 4 stars). 2 submissions from 2 submitters: Benign (2). Last evaluated 2021-07-14.

Conditions:
Congenital myasthenic syndrome 8. Also called: MYASTHENIC SYNDROME, CONGENITAL, DUE TO AGRIN DEFICIENCY; Myasthenic syndrome, congenital, 8, with pre- and postsynaptic defects. Identifiers: Orphanet 590, MedGen C3808739, MONDO:0014052, OMIM 615120.

Allele frequency attached by ClinVar (database versions not stated): TOPMed 0.78363; gnomAD 0.79091 and 0.80097; 1000 Genomes Project 30x 0.79653; 1000 Genomes Project 0.80651.
gnomAD v4.1: 122,082 of 152,116 alleles (80%); highest among the groups gnomAD compares: East Asian, 97%; 51,776 homozygotes.

Submissions (2):

Genome-Nilou Lab
Classification: Benign for Congenital myasthenic syndrome 8. Last evaluated: 2021-07-14. Review status: criteria provided, single submitter. Criteria: ACMG Guidelines, 2015. Collection method: clinical testing. Allele origin: germline. Affected: no.

GeneDx
Classification: Benign. Last evaluated: 2018-06-16. Review status: criteria provided, single submitter. Criteria: GeneDx Variant Classification (06012015). Collection method: clinical testing. Allele origin: germline. Affected: yes.
Comment: This variant is considered likely benign or benign based on one or more of the following criteria: it is a conservative change, it occurs at a poorly conserved position in the protein, it is predicted to be benign by multiple in silico algorithms, and/or has population frequency not consistent with disease.